The following is an entry in ClinVar:

NM_000138.5(FBN1):c.4639A>G (p.Thr1547Ala)

Gene: FBN1 (fibrillin 1; minus strand). Cytogenetic location: 15q21.1.
Variant type: single nucleotide variant.
Coding change: c.4639A>G on transcript NM_000138.5 (MANE Select); coding-DNA position 4639, A replaced by G.
Protein change: p.Thr1547Ala; replaces threonine 1547 with alanine.
Molecular consequence: missense variant.
Genome position (GRCh38, 1-based): chr15:48,468,046, T>C on the plus strand (A>G on the coding strand, the complement: FBN1 is on the minus strand). VCF-style: chr15-48468046-T-C. GRCh37 (hg19) VCF-style: chr15-48760243-T-C.
Other names: short protein forms T1547A.
Identifiers: ClinVar variation 1678250 (VCV001678250.3), dbSNP rs2043337594, ClinGen allele CA392353073.

ClinVar aggregate classification (germline): Uncertain significance. Review status: criteria provided, multiple submitters, no conflicts (2 of 4 stars). 2 submissions from 2 submitters: Uncertain significance (2). Last evaluated 2024-12-17.

Conditions:
Marfan syndrome (MFS). Also called: Marfan syndrome, classic; MARFAN SYNDROME, TYPE I; Marfan syndrome type 1; Marfan's syndrome; FBN1-Related Marfan Syndrome. Identifiers: Orphanet 284963, Orphanet 558, MedGen C0024796, MONDO:0007947, OMIM 154700.
Familial thoracic aortic aneurysm and aortic dissection (TAAD). Also called: Thoracic aortic aneurysms and dissections. Identifiers: Orphanet 91387, MedGen C4707243, MONDO:0019625.

Allele frequency attached by ClinVar (database versions not stated): gnomAD 0.00001; gnomAD exomes below 0.00001; TOPMed below 0.00001.
gnomAD v4.1: 3 of 1,614,070 alleles (0.00019%); highest among the groups gnomAD compares: Admixed American, 0.005%; no homozygotes.

Submissions (2):

Labcorp Genetics (formerly Invitae), Labcorp
Classification: Uncertain significance for Marfan syndrome; Familial thoracic aortic aneurysm and aortic dissection. Last evaluated: 2024-12-17. Review status: criteria provided, single submitter. Criteria: Invitae Variant Classification Sherloc (09022015). Collection method: clinical testing. Allele origin: germline.
Comment: This sequence change replaces threonine, which is neutral and polar, with alanine, which is neutral and non-polar, at codon 1547 of the FBN1 protein (p.Thr1547Ala). This variant is not present in population databases (gnomAD no frequency). This missense change has been observed in individual(s) with aortic dissection (PMID: 32154576, 35154271). ClinVar contains an entry for this variant (Variation ID: 1678250). Invitae Evidence Modeling of protein sequence and biophysical properties (such as structural, functional, and spatial information, amino acid conservation, physicochemical variation, residue mobility, and thermodynamic stability) indicates that this missense variant is not expected to disrupt FBN1 protein function with a negative predictive value of 95%. In summary, the available evidence is currently insufficient to determine the role of this variant in disease. Therefore, it has been classified as a Variant of Uncertain Significance.

AiLife Diagnostics
Classification: Uncertain significance. Last evaluated: 2020-06-04. Review status: criteria provided, single submitter. Criteria: ACMG Guidelines, 2015. Collection method: clinical testing. Allele origin: germline. Affected: yes. Observed: 1 variant allele.

Literature cited by the submitters: PubMed 32154576 (cited by Labcorp Genetics (formerly Invitae), Labcorp); PubMed 35154271 (cited by Labcorp Genetics (formerly Invitae), Labcorp).